The following is an entry in ClinVar:

ClinVar aggregate classification (germline): Likely pathogenic (1 of 4 stars; one submission).

gnomAD v4.1: 1 of 1,611,184 alleles (0.000062%); highest among the groups gnomAD compares: African/African-American, 0.0013%; no homozygotes.

Submission:

GeneDx
Classification: Likely pathogenic. Last evaluated: 2025-09-29. Review status: criteria provided, single submitter. Criteria: GeneDx Variant Classification Process June 2021. Collection method: clinical testing. Allele origin: germline. Affected: yes.
Comment: Identified in the heterozygous state in at least one adult from a precision medicine study; however, detailed information was not provided (PMID: 31980526); Canonical splice site variant predicted to result in a null allele in a gene for which loss of function is a known mechanism of disease; Not observed at significant frequency in large population cohorts (gnomAD); This variant is associated with the following publications: (PMID: 31980526)

NM_006348.5(COG5):c.347+1G>A

Gene: COG5 (component of oligomeric golgi complex 5; minus strand). Cytogenetic location: 7q22.3.
Variant type: single nucleotide variant.
Coding change: c.347+1G>A on transcript NM_006348.5 (MANE Select); the canonical splice donor site of the intron after coding-DNA position 347, G replaced by A.
Molecular consequence: splice donor variant. On other transcripts: intron variant (1).
Genome position (GRCh38, 1-based): chr7:107,548,277, C>T on the plus strand (G>A on the coding strand, the complement: COG5 is on the minus strand). VCF-style: chr7-107548277-C-T. GRCh37 (hg19) VCF-style: chr7-107188722-C-T.
Other names: c.347+1G>A (NM_001379514.1, NM_001379513.1, NM_001161520.2 and 4 more transcripts); c.234+9699G>A (NM_001379516.1).
Identifiers: ClinVar variation 4819502 (VCV004819502.1).